The following is an entry in ClinVar:

ClinVar aggregate classification (germline): Pathogenic (1 of 4 stars; one submission).

Conditions:
Hereditary cancer-predisposing syndrome. Also called: Hereditary neoplastic syndrome; Neoplastic Syndromes, Hereditary; Tumor predisposition; Hereditary Cancer Syndrome. Identifiers: Orphanet 140162, MedGen C0027672, MeSH D009386, MONDO:0015356.

Submission:

Labcorp Genetics (formerly Invitae), Labcorp
Classification: Pathogenic for Hereditary cancer-predisposing syndrome. Last evaluated: 2023-09-09. Review status: criteria provided, single submitter. Criteria: Invitae Variant Classification Sherloc (09022015). Collection method: clinical testing. Allele origin: germline.
Comment: For these reasons, this variant has been classified as Pathogenic. This variant has not been reported in the literature in individuals affected with RAD50-related conditions. This variant is a gross deletion of the genomic region encompassing exon(s) 22-23 of the RAD50 gene. This deletion is out-of-frame, and is expected to create a premature termination codon and result in an absent or disrupted protein product. Loss-of-function variants in RAD50 are known to be pathogenic (PMID: 19409520).

Literature cited by the submitters: PubMed 19409520.

NC_000005.10:g.(?_132637105)_(132638233_?)del

Gene: RAD50 (RAD50 double strand break repair protein; plus strand). Cytogenetic location: 5q31.1.
Variant type: Deletion.
Identifiers: ClinVar variation 831137 (VCV000831137.5).